The following is an entry in ClinVar:

ClinVar aggregate classification (germline): Likely benign (1 of 4 stars; one submission).

gnomAD v4.1: 5 of 1,614,140 alleles (0.00031%); highest among the groups gnomAD compares: Non-Finnish European, 0.00034%; no homozygotes.

Submission:

Molecular Diagnostic Laboratory for Inherited Cardiovascular Disease, Montreal Heart Institute
Classification: Likely benign. Last evaluated: 2026-09-21. Review status: criteria provided, single submitter. Criteria: ACMG Guidelines, 2015. Collection method: clinical testing. Allele origin: germline. Affected: no.
Comment: BP7

NM_001267550.2(TTN):c.8568C>A (p.Ile2856=)

Gene: TTN (titin; minus strand). Cytogenetic location: 2q31.2.
Variant type: single nucleotide variant.
Coding change: c.8568C>A on transcript NM_001267550.2 (MANE Select); coding-DNA position 8568, C replaced by A.
Protein change: p.Ile2856=; no amino-acid change (isoleucine 2856 retained).
Molecular consequence: synonymous variant.
Genome position (GRCh38, 1-based): chr2:178,770,133, G>T on the plus strand (C>A on the coding strand, the complement: TTN is on the minus strand). VCF-style: chr2-178770133-G-T. GRCh37 (hg19) VCF-style: chr2-179634860-G-T.
Other names: c.8568C>A, p.Ile2856= (NM_001256850.1, NM_133378.4, NM_133379.5); c.8430C>A, p.Ile2810= (NM_003319.4, NM_133432.3, NM_133437.4).
Identifiers: ClinVar variation 5037903 (VCV005037903.1).